The following is an entry in ClinVar:

ClinVar aggregate classification (germline): Benign/Likely benign. Review status: criteria provided, multiple submitters, no conflicts (2 of 4 stars). 3 submissions from 3 submitters: Benign (1); Likely benign (2). Last evaluated 2026-08-01.

Conditions:
Skeletal overgrowth-craniofacial dysmorphism-hyperelastic skin-white matter lesions syndrome. Also called: SKELETAL OVERGROWTH WITH FACIAL DYSMORPHISM, HYPERELASTIC SKIN, WHITE MATTER LESIONS, AND NEUROLOGIC DETERIORATION; Kosaki overgrowth syndrome. Identifiers: Orphanet 477831, MedGen C4225270, MONDO:0014704, OMIM 616592.
Acroosteolysis-keloid-like lesions-premature aging syndrome. Also called: Premature aging syndrome, Penttinen type; Prematurely aged appearance, delayed bone maturation, acro-osteolysis, and brachydactyly; Progeroid syndrome, Penttinen type. Identifiers: Orphanet 363665, MedGen C1866182, MONDO:0011150, OMIM 601812.
Infantile myofibromatosis (IMF). Also called: Congenital generalized fibromatosis. Identifiers: Orphanet 2591, MedGen C0432284, MONDO:0016824.
Basal ganglia calcification, idiopathic, 4 (PFBC4). Also called: PRIMARY FAMILIAL BRAIN CALCIFICATION 4, AUTOSOMAL DOMINANT; Familial Idiopathic Basal Ganglia Calcification 4. Identifiers: Orphanet 1980, MedGen C3554321, MONDO:0014004, OMIM 615007.

Allele frequency attached by ClinVar (database versions not stated): gnomAD 0.00037 and 0.00040; TOPMed 0.00037; ExAC 0.00053; ESP Exome Variant Server 0.00085.
gnomAD v4.1: 591 of 1,608,930 alleles (0.037%); highest among the groups gnomAD compares: Middle Eastern, 0.48%; 2 homozygotes.

Submissions (5):

CeGaT Center for Human Genetics Tuebingen
Classification: Likely benign. Last evaluated: 2026-08-01. Review status: criteria provided, single submitter. Criteria: CeGaT Center For Human Genetics Tuebingen Variant Classification Criteria Version 2. Collection method: clinical testing. Allele origin: germline. Affected: yes. Observed: 4 variant alleles.
Comment: PDGFRB: BP4, BP7

Labcorp Genetics (formerly Invitae), Labcorp
Classification: Benign for Basal ganglia calcification, idiopathic, 4; Skeletal overgrowth-craniofacial dysmorphism-hyperelastic skin-white matter lesions syndrome; Infantile myofibromatosis; Acroosteolysis-keloid-like lesions-premature aging syndrome. Last evaluated: 2025-10-13. Review status: criteria provided, single submitter. Criteria: Invitae Variant Classification Sherloc (09022015). Collection method: clinical testing. Allele origin: germline.

Blueprint Genetics
Classification: Likely benign. Last evaluated: 2024-11-25. Review status: criteria provided, single submitter. Criteria: ACMG Guidelines, 2015. Collection method: clinical testing. Allele origin: germline.

Dr. Peter K. Rogan Lab, Western University
No classification provided (evidence only). Condition: Uterine corpus endometrial carcinoma. Review status: no classification provided. Collection method: in vitro. Allele origin: not applicable. Functional consequence: retained intron. Not counted in ClinVar's aggregate classification.

Dr. Peter K. Rogan Lab, Western University
No classification provided (evidence only). Condition: Ovarian serous cystadenocarcinoma. Review status: no classification provided. Collection method: in vitro. Allele origin: not applicable. Functional consequence: retained intron. Not counted in ClinVar's aggregate classification.

NM_002609.4(PDGFRB):c.2889C>T (p.Gly963=)

Gene: PDGFRB (platelet derived growth factor receptor beta; minus strand). Cytogenetic location: 5q32.
Variant type: single nucleotide variant.
Coding change: c.2889C>T on transcript NM_002609.4 (MANE Select); coding-DNA position 2889, C replaced by T.
Protein change: p.Gly963=; no amino-acid change (glycine 963 retained).
Molecular consequence: synonymous variant.
Genome position (GRCh38, 1-based): chr5:150,118,762, G>A on the plus strand (C>T on the coding strand, the complement: PDGFRB is on the minus strand). VCF-style: chr5-150118762-G-A. GRCh37 (hg19) VCF-style: chr5-149498325-G-A.
Other names: c.2697C>T, p.Gly899= (NM_001355016.2); c.2406C>T, p.Gly802= (NM_001355017.2).
Identifiers: ClinVar variation 771564 (VCV000771564.35), dbSNP rs139623802, ClinGen allele CA3507492.